The following is an entry in ClinVar:

NM_024312.5(GNPTAB):c.1032del (p.Asn345fs)

Gene: GNPTAB (N-acetylglucosamine-1-phosphate transferase subunits alpha and beta; minus strand). Cytogenetic location: 12q23.2.
Variant type: Deletion.
Coding change: c.1032del on transcript NM_024312.5 (MANE Select); coding-DNA position 1032, one base deleted (G; older notation c.1032delG).
Protein change: p.Asn345fs; shifts the reading frame from asparagine 345.
Molecular consequence: frameshift variant.
Genome position (GRCh38, 1-based): chr12:101,770,487, C deleted on the plus strand (G on the coding strand, the reverse complement: GNPTAB is on the minus strand); the first of 2 consecutive C bases (chr12:101,770,487-101,770,488); deleting either gives the same sequence. VCF-style (leftmost placement, unchanged base first): chr12-101770486-TC-T. GRCh37 (hg19) VCF-style: chr12-102164264-TC-T.
Other names: c.1032delG (NM_024312.4); c.1032del (NM_024312.4); short protein forms N345fs.
Identifiers: ClinVar variation 550457 (VCV000550457.4), dbSNP rs1555270321, ClinGen allele CA658822545.
Genomic context (GRCh38, chr12:101,770,486, plus strand): 5'-CTCGAGGATTGTCAAGGTTCAGCCAGGATGGAATCTGCCCGTTGGTGACAATGAAAATAT[TC>T]CGAACCCATGGTGCATGCCTCTCGATAGATCGCAATGAGTACCTCAGTTCTTCGTTATCT-3'

ClinVar aggregate classification (germline): Likely pathogenic. Review status: criteria provided, single submitter (1 of 4 stars). 2 submissions from 2 submitters: Likely pathogenic (1). 1 of the submissions does not count toward it. Last evaluated 2025-03-31.

Conditions:
Mucolipidosis type II. Also called: Mucolipidosis II Alpha/Beta; Mucolipidosis 2; ML 2; Inclusion cell disease; Leroy Disease; N-acetylglucosamine 1phosphotransferase deficiency. Identifiers: Orphanet 576, MedGen C2673377, MONDO:0009650, OMIM 252500.
Pseudo-Hurler polydystrophy. Also called: MUCOLIPIDOSIS IIIA; ML IIIA; Mucolipidosis III Alpha/Beta; Type III Mucolipidosis; ML III; ML III ALPHA/BETA. Identifiers: Orphanet 423461, Orphanet 577, MedGen C0033788, MONDO:0018931, OMIM 252600.

Submissions (2):

Natera, Inc.
Classification: Likely pathogenic for Mucolipidosis type II. Last evaluated: 2025-03-31. Review status: criteria provided, single submitter. Criteria: Natera Variant Classification Schema (03/2026). Collection method: clinical testing. Allele origin: germline.
Comment: The c.1032del variant in GNPTAB is a frameshift variant predicted to shift the reading frame beginning at codon 345 and leads to a stop codon 14 codons downstream. This variant is expected to result in nonsense mediated decay, truncation, or a dysfunctional protein product. This variant is rare in the general population with a frequency below the threshold expected for the associated phenotype(s). Given the available evidence, this variant is classified as Likely Pathogenic.

Counsyl
Classification: Likely pathogenic for Mucolipidosis type II; Pseudo-Hurler polydystrophy. Last evaluated: 2017-01-19. Review status: no assertion criteria provided. Collection method: clinical testing. Allele origin: unknown. Not counted in ClinVar's aggregate classification.